The following continues an entry in ClinVar:

NM_018706.7(DHTKD1):c.2185G>A (p.Gly729Arg)

Gene: DHTKD1. ClinVar aggregate classification (germline): Conflicting classifications of pathogenicity. Pathogenic (7); Likely pathogenic (13); Uncertain significance (4).

Submissions 11 to 20 of 28:

ARUP Laboratories, Molecular Genetics and Genomics, ARUP Laboratories
Classification: Pathogenic. Last evaluated: 2024-04-03. Review status: criteria provided, single submitter. Criteria: ARUP Molecular Germline Variant Investigation Process 2024. Collection method: clinical testing. Allele origin: germline.
Comment: The DHTKD1 c.2185G>A; p.Gly729Arg (rs117225135; ClinVar Variation ID: 39564) has been previously reported in association with 2-aminoadipic 2-oxoadipic aciduria in multiple unrelated individuals in the compound heterozygous state along with loss of function variants of DHTKD1 (Danhauser 2012, Hagen 2015, Stiles 2012, Dawidziuk 2021). Functional studies performed by Danhauser et al. in fibroblasts isolated from carriers of the p.Gly729Arg variant demonstrated defective lysine metabolism which was corrected by the addition of wild type DHTKD1. Additional functional analysis by Zhang et al (2020) further characterized the reduction in enzymatic activity associated with the substituted arginine. This variant is listed in the genome Aggregation Database (gnomAD) v2.1.1 with a non-Finnish European population frequency of 0.3% (identified on 352 out of 128,094 chromosomes). Based on available information, this variant is considered to be a pathogenic recessive allele for 2-aminoadipic 2-oxoadipic aciduria. Furthermore, as discussed in Hagen et al, it is unlikely to result in elevated risk for Charcot-Marie-Tooth disease. References: Danhauser et al. DHTKD1 mutations cause 2-aminoadipic and 2-oxoadipic aciduria. Am J Hum Genet. 2012 Dec 7;91(6):1082-7. Dawidziuk M et al. Exome Sequencing Reveals Novel Variants and Expands the Genetic Landscape for Congenital Microcephaly. Genes (Basel). 2021 Dec 18;12(12):2014. PMID: 34946966 Hagen et al. Genetic basis of alpha-aminoadipic and alpha-ketoadipic aciduria. J Inherit Metab Dis. 2015 Sep;38(5):873-9. Stiles AR et al. New Cases of DHTKD1 Mutations in Patients with 2-Ketoadipic Aciduria. JIMD Rep. 2016;25:15-19. PMID: 26141459 Zhang X et al. Structure-function analyses of the G729R 2-oxoadipate dehydrogenase genetic variant associated with a disorder of l-lysine metabolism. J Biol Chem. 2020 Jun 5;295(23):8078-8095. PMID: 32303640

Clinical Genomics Laboratory, Washington University in St. Louis
Classification: Likely pathogenic for 2-aminoadipic 2-oxoadipic aciduria. Last evaluated: 2023-10-02. Review status: criteria provided, single submitter. Criteria: ACMG Guidelines, 2015. Collection method: clinical testing. Allele origin: germline. Affected: yes.
Comment: The DHTKD1 c.2185G>A (p.Gly729Arg) variant has been reported in seven individuals affected with alpha-aminoadipic and alpha ketoadipic aciduria (Danhauser K et al., PMID: 23141293; Duran M et al., PMID: 6434826; Hagen J et al., PMID: 25860818; Stiles AR et al., PMID: 26141459). Of those individuals, four were compound heterozygous for the variant and a pathogenic or likely pathogenic variant and all confirmed in trans (Danhauser K et al., PMID: 23141293; Duran M et al., PMID: 6434826; Hagen J et al., PMID: 25860818). The highest population minor allele frequency in the population database genome aggregation database (v.2.1.1) is 0.3% in European non-Finnish population. Although in vitro analysis indicates that the p.Gly729Arg variant does not disrupt protein stability or thermostability (Bezerra GA et al., PMID: 32695416), functional studies in patient fibroblasts show elevated levels of 2-oxoadipate that was rescued with the expression of wildtype DHTKD1 (Danhauser K et al., PMID: 23141293). This variant also results in decreased catalytic efficiency for NADH production which impairs channeling of 2-oxoadipate dehydrogenase complex (OADHc) intermediates (Zhang X et al., PMID: 32303640); both studies indicate that this variant impacts protein function. Computational predictors are conflicting as to the impact of this variant on DHTKD1 function. This variant has been reported in the ClinVar database as a pathogenic variant by four submitters, likely pathogenic by eight submitters and a variant of uncertain significance by three submitters. Based on available information and the ACMG/AMP guidelines for variant interpretation (Richards S et al., PMID: 25741868), this variant is classified as likely pathogenic.

Department of Pathology and Laboratory Medicine, Sinai Health System
Classification: Likely pathogenic for 2-aminoadipic 2-oxoadipic aciduria. Last evaluated: 2023-06-28. Review status: criteria provided, single submitter. Criteria: ACMG Guidelines, 2015. Collection method: research. Allele origin: germline.

Revvity Omics, Revvity
Classification: Likely pathogenic. Last evaluated: 2023-06-23. Review status: criteria provided, single submitter. Criteria: ACMG Guidelines, 2015. Collection method: clinical testing. Allele origin: germline.

GeneDx
Classification: Uncertain significance. Last evaluated: 2023-01-19. Review status: criteria provided, single submitter. Criteria: GeneDx Variant Classification Process June 2021. Collection method: clinical testing. Allele origin: germline. Affected: yes.
Comment: Observed in multiple patients in published literature with 2-aminoadipic and 2-oxoadipic aciduria and phenotypes suspected to be related; however, some of these patients harbored other potential explanations for their clinical phenotypes or harbored only one variant in DHTKD1 (Danhauser et al., 2012; Hagen et al., 2015; Stiles et al., 2016); Published functional studies suggest a damaging effect on the function of the 2-oxoadipate dehydrogenase complex (Zhang et al., 2020); In silico analysis supports that this missense variant has a deleterious effect on protein structure/function; This variant is associated with the following publications: (PMID: 23141293, 26141459, 32303640, 25860818, 30842647, 34426522, 33946784, 35052424)

Mayo Clinic Laboratories, Mayo Clinic
Classification: Likely pathogenic. Last evaluated: 2022-10-26. Review status: criteria provided, single submitter. Criteria: ACMG Guidelines, 2015. Collection method: clinical testing. Allele origin: germline. Observed: 6 variant alleles.
Comment: BP4, PM3, PS3, PS4_moderate

Mendelics
Classification: Uncertain significance. Last evaluated: 2022-05-04. Review status: criteria provided, single submitter. Criteria: Mendelics Assertion Criteria 2019. Collection method: clinical testing. Allele origin: germline.

Pittsburgh Clinical Genomics Laboratory, University of Pittsburgh Medical Center
Classification: Likely pathogenic for 2-aminoadipic 2-oxoadipic aciduria. Last evaluated: 2022-05-02. Review status: criteria provided, single submitter. Criteria: ACMG Guidelines, 2015. Collection method: clinical testing. Allele origin: germline. Inheritance: Autosomal recessive inheritance. Affected: yes.
Comment: This sequence variant is a single nucleotide substitution (G>A) at position 2185 of the coding sequence of the DHTKD1 gene that results in a glycine to arginine amino acid change at residue 729 of the DHTKD1 encoded protein, E1 component of 2-oxoglutarate dehydrogese. The Gly729 residue falls in the alpha/beta2 domain (PMID: 32695416) which plays a critical role in 2-oxoglutarate dehydrogese's role in DH production (PMID: 32303640). This is a previously reported variant (ClinVar) and is one of the more common variants associated with two rare metabolic disorders: 2-aminoadipic and alpha-ketoadipic aciduria (PMID: 32303640). When in the compound heterozygous or homozygous states, this variant has been observed in individuals with a range of neurological disorders including developmental delay, mild-to-severe intellectual disability, speech delay, ataxia, epilepsy, hypotonia, spil muscular atrophy, autism, and behavioral disorders (PMID: 23141293, 26141459, 25860818, 29858556, 30842647). This variant is rare in control population datasets (gnomAD database, 465 of 279,662 alleles, 0.17%). Multiple bioinformatic tools predict that this glycine to arginine amino acid change would be damaging, and the Gly729 residue is strongly conserved across the vertebrate species examined. Functiol studies indicate that this variant leads to increased 2-oxoadipate levels in cells (PMID: 23141293) and reduces the efficiency of the 2-oxoadipate dehydrogese complex in generating DH (PMID: 32303640). This reduction in efficiency is thought to be the result of this variant disrupting the protein-to-protein interactions within the 2-oxoadipate dehydrogese complex (PMID: 32303640); however other studies have concluded that this variant has no impact on protein stability or its interactions. Given this information, we consider this to be a likely pathogenic variant. ACMG Criteria: PM3, PP3, PS3

Illumina Laboratory Services, Illumina
Classification: Likely pathogenic for 2-aminoadipic 2-oxoadipic aciduria. Last evaluated: 2021-08-20. Review status: criteria provided, single submitter. Criteria: ICSLVariantClassificationCriteria RUGD 01 April 2020. Collection method: clinical testing. Allele origin: unknown.
Comment: The DHTKD1 c.2185G>A (p.Gly729Arg) variant is a missense variant that has been reported in a total of seven individuals with alpha-aminoadipic and alpha-ketoadipic aciduria, including in a compound heterozygous state in six, including in one where the variant arose de novo, and in a heterozygous state without a second identified allele in one (Danhauser et al. 2012; Hagen et al. 2015; Stiles et al. 2016). One of the individuals who was compound heterozygous presented only with elevated metabolites and biotinidase deficiency; all others presented with more severe phenotypes that included features such as developmental delay, speech delay, intellectual disability, microcephaly, and seizures. Control data are unavailable for this variant, which is reported in the Genome Aggregation Database at a frequency of 0.002748 in the European (non-Finnish) population (version 2.1.1) and was identified in one individual in a homozygous state (version 3.1.1). The higher than expected allele frequency and the homozygous individual may be consistent with variable disease expressivity. In vitro analysis in fibroblasts from patients reported by Danhauser et al. (2012) showed elevated levels of 2-oxoadipate in cells and media when compared to wildtype control fibroblasts, and expression of wildtype DHTKD1 in patient fibroblasts rescued the phenotype and decreased the 2-oxoadipate concentrations to levels consistent with control fibroblasts. Zhang et al. (2020) demonstrated that the p.Gly729Arg variant causes a 50-fold decrease in catalytic efficiency for NADH production when assembled into the 2-oxoadipate dehydrogenase complex (OADHc) in vitro, and impacts the assembly of 2-oxoadipate dehydrogenase with dihydrolipoamide succinyl-transferase, leading to impaired channeling of OADHc intermediates. Bezerra et al. (2020) found that the p.Gly729Arg variant does not impact protein thermostability or overall protein stability. Based on the evidence, the p.Gly729Arg variant is classified as likely pathogenic for alpha-aminoadipic and alpha-ketoadipic aciduria.

Genomic Research Center, Shahid Beheshti University of Medical Sciences
Classification: Likely pathogenic. Last evaluated: 2019-04-27. Review status: criteria provided, single submitter. Criteria: ACMG Guidelines, 2015. Collection method: clinical testing. Allele origin: unknown. Affected: no.